The following is an entry in ClinVar:

ClinVar aggregate classification (germline): Conflicting classifications of pathogenicity. Review status: criteria provided, conflicting classifications (1 of 4 stars). 2 submissions from 2 submitters: Uncertain significance (1); Likely benign (1). Last evaluated 2026-08-29.

Conditions:
Familial thoracic aortic aneurysm and aortic dissection (TAAD). Also called: Thoracic aortic aneurysms and dissections. Identifiers: Orphanet 91387, MedGen C4707243, MONDO:0019625.
Oto-palato-digital syndrome, type II (OPD2). Also called: FACIOPALATOOSSEOUS SYNDROME; OPD II SYNDROME; Otopalatodigital Syndrome, Type II; Otopalatodigital Syndrome Type 2 (FLNA-OPD2). Identifiers: Orphanet 669, Orphanet 90652, MedGen C1844696, MONDO:0010571, OMIM 304120.
Frontometaphyseal dysplasia (FMD1). Identifiers: Orphanet 1826, MedGen C0265293, MONDO:0015942.
Melnick-Needles syndrome (MNS). Also called: MELNICK-NEEDLES OSTEODYSPLASTY; OSTEODYSPLASTY OF MELNICK AND NEEDLES; Melnick-Needles Syndrome (FLNA-MNS). Identifiers: Orphanet 2484, MedGen C0025237, MONDO:0010650, OMIM 309350.
Heterotopia, periventricular, X-linked dominant (PVNH1). Also called: PERIVENTRICULAR NODULAR HETEROTOPIA 1; X-linked periventricular heterotopia; PERIVENTRICULAR NODULAR HETEROTOPIA 4; HETEROTOPIA, PERIVENTRICULAR, 1. Identifiers: Orphanet 2149, Orphanet 82004, MedGen C1848213, MONDO:0010233, OMIM 300049.

Allele frequency attached by ClinVar (database versions not stated): gnomAD exomes 0.00001; TOPMed below 0.00001.
gnomAD v4.1: 10 of 1,211,055 alleles (0.00083%); highest among the groups gnomAD compares: East Asian, 0.0089%; no homozygotes.

Submissions (2):

Ambry Genetics
Classification: Uncertain significance for Familial thoracic aortic aneurysm and aortic dissection. Last evaluated: 2026-08-29. Review status: criteria provided, single submitter. Criteria: Ambry Variant Classification Scheme 2023. Collection method: clinical testing. Allele origin: germline.
Comment: The p.R1635H variant (also known as c.4904G>A), located in coding exon 28 of the FLNA gene, results from a G to A substitution at nucleotide position 4904. The arginine at codon 1635 is replaced by histidine, an amino acid with highly similar properties. This amino acid position is conserved. In addition, the in silico prediction for this alteration is inconclusive. Based on the available evidence, the clinical significance of this variant remains unclear.

Labcorp Genetics (formerly Invitae), Labcorp
Classification: Likely benign for Oto-palato-digital syndrome, type II; Heterotopia, periventricular, X-linked dominant; Frontometaphyseal dysplasia; Melnick-Needles syndrome. Last evaluated: 2025-12-13. Review status: criteria provided, single submitter. Criteria: Invitae Variant Classification Sherloc (09022015). Collection method: clinical testing. Allele origin: germline.

NM_001110556.2(FLNA):c.4904G>A (p.Arg1635His)

Gene: FLNA (filamin A; minus strand). Cytogenetic location: Xq28.
Variant type: single nucleotide variant.
Coding change: c.4904G>A on transcript NM_001110556.2 (MANE Select); coding-DNA position 4904, G replaced by A.
Protein change: p.Arg1635His; replaces arginine 1635 with histidine.
Molecular consequence: missense variant.
Genome position (GRCh38, 1-based): chrX:154,357,475, C>T on the plus strand (G>A on the coding strand, the complement: FLNA is on the minus strand). VCF-style: chrX-154357475-C-T. GRCh37 (hg19) VCF-style: chrX-153585843-C-T.
Other names: c.4904G>A, p.Arg1635His (NM_001456.4); short protein forms R1635H.
Identifiers: ClinVar variation 937679 (VCV000937679.8), dbSNP rs1569551558, ClinGen allele CA415213484.